The following is an entry in ClinVar:

NM_005598.4(NHLH1):c.106G>A (p.Gly36Arg)

Gene: NHLH1 (nescient helix-loop-helix 1; plus strand). Cytogenetic location: 1q23.2.
Variant type: single nucleotide variant.
Coding change: c.106G>A on transcript NM_005598.4 (MANE Select); coding-DNA position 106, G replaced by A.
Protein change: p.Gly36Arg; replaces glycine 36 with arginine.
Molecular consequence: missense variant.
Genome position (GRCh38, 1-based): chr1:160,370,837, G>A. VCF-style: chr1-160370837-G-A. GRCh37 (hg19) VCF-style: chr1-160340627-G-A.
Other names: short protein forms G36R.
Identifiers: ClinVar variation 3257302 (VCV003257302.17).

ClinVar aggregate classification (germline): Uncertain significance (1 of 4 stars; one submission).

gnomAD v4.1: 17 of 1,607,486 alleles (0.0011%); highest among the groups gnomAD compares: Non-Finnish European, 0.0014%; no homozygotes.

Submission:

CeGaT Center for Human Genetics Tuebingen
Classification: Uncertain significance. Last evaluated: 2024-07-01. Review status: criteria provided, single submitter. Criteria: CeGaT Center For Human Genetics Tuebingen Variant Classification Criteria Version 2. Collection method: clinical testing. Allele origin: germline. Affected: yes. Observed: 1 variant allele.
Comment: NHLH1: PM2